The following is an entry in ClinVar:

ClinVar aggregate classification (germline): Uncertain significance (1 of 4 stars; one submission).

Conditions:
Early-onset Parkinson disease 20. Also called: PARKINSON DISEASE 20, AUTOSOMAL RECESSIVE EARLY-ONSET. Identifiers: Orphanet 391411, MedGen C3809824, MONDO:0014233, OMIM 615530.
Developmental and epileptic encephalopathy, 53. Also called: Epileptic encephalopathy, early infantile, 53. Identifiers: MedGen C4479313, MONDO:0033362, OMIM 617389.

Allele frequency attached by ClinVar (database versions not stated): ExAC 0.00007.
gnomAD v4.1: 4 of 1,514,966 alleles (0.00026%); highest among the groups gnomAD compares: Non-Finnish European, 0.00035%; no homozygotes.

Submission:

Labcorp Genetics (formerly Invitae), Labcorp
Classification: Uncertain significance for Developmental and epileptic encephalopathy, 53; Early-onset Parkinson disease 20. Last evaluated: 2022-08-16. Review status: criteria provided, single submitter. Criteria: Invitae Variant Classification Sherloc (09022015). Collection method: clinical testing. Allele origin: germline.
Comment: This sequence change replaces proline, which is neutral and non-polar, with leucine, which is neutral and non-polar, at codon 1159 of the SYNJ1 protein (p.Pro1159Leu). Algorithms developed to predict the effect of missense changes on protein structure and function are either unavailable or do not agree on the potential impact of this missense change (SIFT: "Deleterious"; PolyPhen-2: "Probably Damaging"; Align-GVGD: "Class C0"). ClinVar contains an entry for this variant (Variation ID: 978523). This variant has not been reported in the literature in individuals affected with SYNJ1-related conditions. This variant is not present in population databases (gnomAD no frequency). In summary, the available evidence is currently insufficient to determine the role of this variant in disease. Therefore, it has been classified as a Variant of Uncertain Significance.

NM_203446.3(SYNJ1):c.3359C>T (p.Pro1120Leu)

Gene: SYNJ1 (synaptojanin 1; minus strand). Cytogenetic location: 21q22.11.
Variant type: single nucleotide variant.
Coding change: c.3359C>T on transcript NM_203446.3 (MANE Select); coding-DNA position 3359, C replaced by T.
Protein change: p.Pro1120Leu; replaces proline 1120 with leucine.
Molecular consequence: missense variant.
Genome position (GRCh38, 1-based): chr21:32,645,678, G>A on the plus strand (C>T on the coding strand, the complement: SYNJ1 is on the minus strand). VCF-style: chr21-32645678-G-A. GRCh37 (hg19) VCF-style: chr21-34017988-G-A.
Other names: c.3359C>T, p.Pro1120Leu (NM_001160302.2); c.3344C>T, p.Pro1115Leu (NM_001160306.2); c.3476C>T, p.Pro1159Leu (NM_003895.4); short protein forms P1120L, P1115L, P1159L.
Identifiers: ClinVar variation 978523 (VCV000978523.9), dbSNP rs773242399, ClinGen allele CA10003442.